The following is an entry in ClinVar:

NM_001129.5(AEBP1):c.596-10T>A

Gene: AEBP1 (AE binding protein 1; plus strand). Cytogenetic location: 7p13.
Variant type: single nucleotide variant.
Coding change: c.596-10T>A on transcript NM_001129.5 (MANE Select); 10 bases into the intron before coding-DNA position 596, T replaced by A.
Molecular consequence: intron variant.
Genome position (GRCh38, 1-based): chr7:44,107,429, T>A. VCF-style: chr7-44107429-T-A. GRCh37 (hg19) VCF-style: chr7-44147028-T-A.
Identifiers: ClinVar variation 2134461 (VCV002134461.4), dbSNP rs765826992, ClinGen allele CA4237526.

ClinVar aggregate classification (germline): Uncertain significance (1 of 4 stars; one submission).

Allele frequency attached by ClinVar (database versions not stated): ExAC 0.00001; TOPMed 0.00001.

Submission:

Labcorp Genetics (formerly Invitae), Labcorp
Classification: Uncertain significance. Last evaluated: 2022-06-02. Review status: criteria provided, single submitter. Criteria: Invitae Variant Classification Sherloc (09022015). Collection method: clinical testing. Allele origin: germline.
Comment: In summary, the available evidence is currently insufficient to determine the role of this variant in disease. Therefore, it has been classified as a Variant of Uncertain Significance. Algorithms developed to predict the effect of sequence changes on RNA splicing suggest that this variant may disrupt the consensus splice site. This variant has not been reported in the literature in individuals affected with AEBP1-related conditions. This variant is present in population databases (rs765826992, gnomAD 0.003%). This sequence change falls in intron 2 of the AEBP1 gene. It does not directly change the encoded amino acid sequence of the AEBP1 protein.